The following is an entry in ClinVar:

ClinVar aggregate classification (germline): Uncertain significance (1 of 4 stars; one submission).

Conditions:
Neurofibromatosis, type 1 (NF1). Also called: NEUROFIBROMATOSIS, TYPE I, SOMATIC; VON RECKLINGHAUSEN DISEASE; Neurofibromatosis, type I; Peripheral type neurofibromatosis. Identifiers: Orphanet 636, MedGen C0027831, MONDO:0018975, OMIM 162200. Disease mechanism: loss of function.

Submission:

Labcorp Genetics (formerly Invitae), Labcorp
Classification: Uncertain significance for Neurofibromatosis, type 1. Last evaluated: 2018-07-17. Review status: criteria provided, single submitter. Criteria: Invitae Variant Classification Sherloc (09022015). Collection method: clinical testing. Allele origin: germline.
Comment: This sequence change replaces lysine with methionine at codon 814 of the NF1 protein (p.Lys814Met). The lysine residue is moderately conserved and there is a moderate physicochemical difference between lysine and methionine. This variant is not present in population databases (ExAC no frequency). This variant has not been reported in the literature in individuals with NF1-related disease. Algorithms developed to predict the effect of missense changes on protein structure and function are either unavailable or do not agree on the potential impact of this missense change (SIFT: "Deleterious"; PolyPhen-2: "Benign"; Align-GVGD: "Class C0"). In summary, the available evidence is currently insufficient to determine the role of this variant in disease. Therefore, it has been classified as a Variant of Uncertain Significance.

NM_001042492.3(NF1):c.2441A>T (p.Lys814Met)

Gene: NF1 (neurofibromin 1; plus strand). Cytogenetic location: 17q11.2.
Variant type: single nucleotide variant.
Coding change: c.2441A>T on transcript NM_001042492.3 (MANE Select); coding-DNA position 2441, A replaced by T.
Protein change: p.Lys814Met; replaces lysine 814 with methionine.
Molecular consequence: missense variant.
Genome position (GRCh38, 1-based): chr17:31,229,056, A>T. VCF-style: chr17-31229056-A-T. GRCh37 (hg19) VCF-style: chr17-29556074-A-T.
Other names: c.2441A>T, p.Lys814Met (NM_000267.4); short protein forms K814M.
Identifiers: ClinVar variation 642522 (VCV000642522.5), dbSNP rs1555614185, ClinGen allele CA398983891.